The following is an entry in ClinVar:

NM_001258392.3(CLPB):c.532C>T (p.Arg178Ter)

Gene: CLPB (ClpB family mitochondrial disaggregase; minus strand). Cytogenetic location: 11q13.4.
Variant type: single nucleotide variant.
Coding change: c.532C>T on transcript NM_001258392.3 (MANE Select); coding-DNA position 532, C replaced by T.
Protein change: p.Arg178Ter; replaces arginine 178 with a stop codon.
Molecular consequence: nonsense. On other transcripts: intron variant (1).
Genome position (GRCh38, 1-based): chr11:72,402,976, G>A on the plus strand (C>T on the coding strand, the complement: CLPB is on the minus strand). VCF-style: chr11-72402976-G-A. GRCh37 (hg19) VCF-style: chr11-72114020-G-A.
Other names: c.397C>T, p.Arg133Ter (NM_001258394.3); c.532C>T, p.Arg178Ter (NM_030813.6); c.456-22592C>T (NM_001258393.3); short protein forms R133*, R178*.
Identifiers: ClinVar variation 1452426 (VCV001452426.7), dbSNP rs774185980, ClinGen allele CA6171541.

ClinVar aggregate classification (germline): Pathogenic. Review status: criteria provided, multiple submitters, no conflicts (2 of 4 stars). 2 submissions from 2 submitters: Pathogenic (2). Last evaluated 2026-03-24.

Conditions:
3-methylglutaconic aciduria, type VIIB (MGCA7B). Also called: 3-methylglutaconic aciduria with cataracts, neurologic involvement and neutropenia; 3-methylglutaconic aciduria, type VII, with cataracts, neurologic involvement and neutropenia; CLPB Deficiency. Identifiers: Orphanet 445038, MedGen C5676893, MONDO:0014561, OMIM 616271.

Allele frequency attached by ClinVar (database versions not stated): gnomAD 0.00001; gnomAD exomes 0.00001 and 0.00002; ExAC 0.00002.
gnomAD v4.1: 5 of 1,613,740 alleles (0.00031%); highest among the groups gnomAD compares: East Asian, 0.0022%; no homozygotes.

Submissions (2):

Women's Health and Genetics/Laboratory Corporation of America, LabCorp
Classification: Pathogenic for 3-methylglutaconic aciduria, type VIIB. Last evaluated: 2026-03-24. Review status: criteria provided, single submitter. Criteria: LabCorp Variant Classification Summary - May 2015. Collection method: clinical testing. Allele origin: germline.
Comment: Variant summary: CLPB c.532C>T (p.Arg178X) results in a premature termination codon, predicted to cause a truncation of the encoded protein or absence of the protein due to nonsense mediated decay, which are commonly known mechanisms for disease. The variant allele was found at a frequency of 1.6e-05 in 251370 control chromosomes. To our knowledge, no occurrence of c.532C>T in individuals affected with CLPB-related conditions and no experimental evidence demonstrating its impact on protein function have been reported. ClinVar contains an entry for this variant (Variation ID: 1452426). Based on the evidence outlined above, the variant was classified as pathogenic.

Labcorp Genetics (formerly Invitae), Labcorp
Classification: Pathogenic for 3-methylglutaconic aciduria, type VIIB. Last evaluated: 2022-08-16. Review status: criteria provided, single submitter. Criteria: Invitae Variant Classification Sherloc (09022015). Collection method: clinical testing. Allele origin: germline.
Comment: This variant has not been reported in the literature in individuals affected with CLPB-related conditions. ClinVar contains an entry for this variant (Variation ID: 1452426). For these reasons, this variant has been classified as Pathogenic. This sequence change creates a premature translational stop signal (p.Arg178*) in the CLPB gene. It is expected to result in an absent or disrupted protein product. Loss-of-function variants in CLPB are known to be pathogenic (PMID: 25597510, 28687938). This variant is present in population databases (rs774185980, gnomAD 0.005%).

Literature cited by the submitters: PubMed 25597510 (cited by Labcorp Genetics (formerly Invitae), Labcorp); PubMed 28687938 (cited by Labcorp Genetics (formerly Invitae), Labcorp).